The following is an entry in ClinVar:

NM_000465.4(BARD1):c.2206T>A (p.Tyr736Asn)

Gene: BARD1 (BRCA1 associated RING domain 1; minus strand). Cytogenetic location: 2q35.
Variant type: single nucleotide variant.
Coding change: c.2206T>A on transcript NM_000465.4 (MANE Select); coding-DNA position 2206, T replaced by A.
Protein change: p.Tyr736Asn; replaces tyrosine 736 with asparagine.
Molecular consequence: missense variant. On other transcripts: non-coding transcript variant (3).
Genome position (GRCh38, 1-based): chr2:214,728,804, A>T on the plus strand (T>A on the coding strand, the complement: BARD1 is on the minus strand). VCF-style: chr2-214728804-A-T. GRCh37 (hg19) VCF-style: chr2-215593528-A-T.
Other names: c.2149T>A, p.Tyr717Asn (NM_001282543.2); c.853T>A, p.Tyr285Asn (NM_001282545.2); c.796T>A, p.Tyr266Asn (NM_001282548.2); c.667T>A, p.Tyr223Asn (NM_001282549.2); short protein forms Y717N, Y736N, Y285N, Y223N, Y266N.
Identifiers: ClinVar variation 935903 (VCV000935903.10), dbSNP rs1559371905, ClinGen allele CA350450222.

ClinVar aggregate classification (germline): Uncertain significance (1 of 4 stars; one submission).

Conditions:
Familial cancer of breast. Also called: BREAST CANCER, FAMILIAL; Hereditary breast cancer; hereditary breast carcinoma. Identifiers: Orphanet 227535, MedGen C0346153, MONDO:0016419, OMIM 114480. Disease mechanism: loss of function.

Submission:

Labcorp Genetics (formerly Invitae), Labcorp
Classification: Uncertain significance for Familial cancer of breast. Last evaluated: 2023-05-12. Review status: criteria provided, single submitter. Criteria: Invitae Variant Classification Sherloc (09022015). Collection method: clinical testing. Allele origin: germline.
Comment: This variant has not been reported in the literature in individuals affected with BARD1-related conditions. This sequence change replaces tyrosine, which is neutral and polar, with asparagine, which is neutral and polar, at codon 736 of the BARD1 protein (p.Tyr736Asn). This variant is not present in population databases (gnomAD no frequency). ClinVar contains an entry for this variant (Variation ID: 935903). An algorithm developed to predict the effect of missense changes on protein structure and function (PolyPhen-2) suggests that this variant is likely to be disruptive. In summary, the available evidence is currently insufficient to determine the role of this variant in disease. Therefore, it has been classified as a Variant of Uncertain Significance.